The following is an entry in ClinVar:

ClinVar aggregate classification (germline): Uncertain significance. Review status: criteria provided, multiple submitters, no conflicts (2 of 4 stars). 2 submissions from 2 submitters: Uncertain significance (2). Last evaluated 2024-04-23.

Conditions:
Inborn genetic diseases. Identifiers: MedGen C0950123, MeSH D030342.

Allele frequency attached by ClinVar (database versions not stated): gnomAD exomes 0.00001 and 0.00004; ExAC 0.00004; gnomAD 0.00005 and 0.00006; TOPMed 0.00006.
gnomAD v4.1: 65 of 1,563,384 alleles (0.0042%); highest among the groups gnomAD compares: Non-Finnish European, 0.0049%; no homozygotes.

Submissions (2):

Ambry Genetics
Classification: Uncertain significance for Inborn genetic diseases. Last evaluated: 2024-04-23. Review status: criteria provided, single submitter. Criteria: Ambry Variant Classification Scheme 2023. Collection method: clinical testing. Allele origin: germline.

Labcorp Genetics (formerly Invitae), Labcorp
Classification: Uncertain significance. Last evaluated: 2022-03-01. Review status: criteria provided, single submitter. Criteria: Invitae Variant Classification Sherloc (09022015). Collection method: clinical testing. Allele origin: germline.
Comment: This sequence change replaces arginine, which is basic and polar, with glutamine, which is neutral and polar, at codon 401 of the PEPD protein (p.Arg401Gln). This variant is present in population databases (rs779829444, gnomAD 0.008%). This variant has not been reported in the literature in individuals affected with PEPD-related conditions. Algorithms developed to predict the effect of missense changes on protein structure and function (SIFT, PolyPhen-2, Align-GVGD) all suggest that this variant is likely to be disruptive. Algorithms developed to predict the effect of sequence changes on RNA splicing suggest that this variant may create or strengthen a splice site. In summary, the available evidence is currently insufficient to determine the role of this variant in disease. Therefore, it has been classified as a Variant of Uncertain Significance.

NM_000285.4(PEPD):c.1202G>A (p.Arg401Gln)

Gene: PEPD (peptidase D; minus strand). Cytogenetic location: 19q13.11.
Variant type: single nucleotide variant.
Coding change: c.1202G>A on transcript NM_000285.4 (MANE Select); coding-DNA position 1202, G replaced by A.
Protein change: p.Arg401Gln; replaces arginine 401 with glutamine.
Molecular consequence: missense variant.
Genome position (GRCh38, 1-based): chr19:33,388,032, C>T on the plus strand (G>A on the coding strand, the complement: PEPD is on the minus strand). VCF-style: chr19-33388032-C-T. GRCh37 (hg19) VCF-style: chr19-33878938-C-T.
Other names: c.1079G>A, p.Arg360Gln (NM_001166056.2); c.1010G>A, p.Arg337Gln (NM_001166057.2); c.1202G>A (NM_000285.3); short protein forms R337Q, R401Q, R360Q.
Identifiers: ClinVar variation 1348864 (VCV001348864.6), dbSNP rs779829444, ClinGen allele CA9363961.
Genomic context (GRCh38, chr19:33,388,032, plus strand): 5'-AGGTGGTCGATGAAGTAGATGCCCGGCTCCACGGTGAGCACCATGCCTGGCTGCAGGTGC[C>T]GTGCAGTGCGCAGGCTCCGCAGGCCGGGCTCGTCGATGCGCTCCACGCCCTGTGGGGAAC-3'
Protein context (NP_000276.2, residues 391-411): EPGLRSLRTA[Arg401Gln]HLQPGMVLTV